The following is an entry in ClinVar:

ClinVar aggregate classification (germline): Uncertain significance (1 of 4 stars; one submission).

Conditions:
Walker-Warburg congenital muscular dystrophy. Also called: Muscular dystrophy-dystroglycanopathy, type A; Walker-Warburg syndrome. Identifiers: Orphanet 899, MedGen C0265221, MONDO:0000171.
Muscular dystrophy-dystroglycanopathy (congenital with impaired intellectual development), type B, 1. Also called: Muscular dystrophy-dystroglycanopathy (congenital with intellectual disability), type B1; MUSCULAR DYSTROPHY, CONGENITAL, POMT1-RELATED. Identifiers: MedGen C5436962, MONDO:0013159, OMIM 613155.
Autosomal recessive limb-girdle muscular dystrophy type 2K. Also called: MUSCULAR DYSTROPHY-DYSTROGLYCANOPATHY (LIMB-GIRDLE), TYPE C, 1; MUSCULAR DYSTROPHY, LIMB-GIRDLE, TYPE 2K. Identifiers: Orphanet 86812, MedGen C1836373, MONDO:0012248, OMIM 609308.

Submission:

Labcorp Genetics (formerly Invitae), Labcorp
Classification: Uncertain significance for Muscular dystrophy-dystroglycanopathy (congenital with impaired intellectual development), type B, 1; Walker-Warburg congenital muscular dystrophy; Autosomal recessive limb-girdle muscular dystrophy type 2K. Last evaluated: 2021-11-22. Review status: criteria provided, single submitter. Criteria: Invitae Variant Classification Sherloc (09022015). Collection method: clinical testing. Allele origin: germline.
Comment: This variant results in a copy number gain of the genomic region encompassing exon(s) 17 of the POMT1 gene. This duplication has been determined to be inverted and inserted into intron 19. This variant has not been reported in the literature in individuals affected with POMT1-related conditions. In summary, the available evidence is currently insufficient to determine the role of this variant in disease. Therefore, it has been classified as a Variant of Uncertain Significance.

NC_000009.11:g.(?_134395447)_(134395600_?)dup

Gene: POMT1 (protein O-mannosyltransferase 1; plus strand). Cytogenetic location: 9q34.13.
Variant type: Duplication.
Identifiers: ClinVar variation 2425691 (VCV002425691.5).